The following is an entry in ClinVar:

ClinVar aggregate classification (germline): Conflicting classifications of pathogenicity. Review status: criteria provided, conflicting classifications (1 of 4 stars). 3 submissions from 3 submitters: Likely pathogenic (1); Uncertain significance (2). Last evaluated 2025-09-25.

Conditions:
ABCB4-related disorder. Also called: ABCB4-related disorders; ABCB4-related condition.
Progressive familial intrahepatic cholestasis type 3. Also called: MDR3 DEFICIENCY; Low Gamma-GT Familial Intrahepatic Cholestasis. Identifiers: Orphanet 79305, MedGen C1865643, MONDO:0011214, OMIM 602347.

Submissions (3):

PreventionGenetics, part of Exact Sciences
Classification: Uncertain significance for ABCB4-related condition. Last evaluated: 2025-09-25. Review status: criteria provided, single submitter. Criteria: ACMG Guidelines, 2015. Collection method: clinical testing. Allele origin: germline.
Comment: The ABCB4 c.944C>A variant is predicted to result in the amino acid substitution p.Ala315Asp. This variant has not been reported in a large population database (gnomAD), indicating this variant is rare. Although we suspect that this variant may be pathogenic, at this time, the clinical significance of this variant is uncertain due to the absence of conclusive functional and genetic evidence.

Blueprint Genetics
Classification: Uncertain significance. Last evaluated: 2023-04-13. Review status: criteria provided, single submitter. Criteria: ACMG Guidelines, 2015. Collection method: clinical testing. Allele origin: germline.

Rolfs Rare Disease Consulting, Rolfs Consulting Und Verwaltungs GmbH
Classification: Likely pathogenic for Progressive familial intrahepatic cholestasis type 3. Last evaluated: 2021-01-01. Review status: criteria provided, single submitter. Criteria: ACMG Guidelines, 2015. Collection method: clinical testing. Allele origin: germline. Affected: yes.

NM_000443.4(ABCB4):c.944C>A (p.Ala315Asp)

Gene: ABCB4 (ATP binding cassette subfamily B member 4; minus strand). Cytogenetic location: 7q21.12.
Variant type: single nucleotide variant.
Coding change: c.944C>A on transcript NM_000443.4 (MANE Select); coding-DNA position 944, C replaced by A.
Protein change: p.Ala315Asp; replaces alanine 315 with aspartic acid.
Molecular consequence: missense variant.
Genome position (GRCh38, 1-based): chr7:87,447,095, G>T on the plus strand (C>A on the coding strand, the complement: ABCB4 is on the minus strand). VCF-style: chr7-87447095-G-T. GRCh37 (hg19) VCF-style: chr7-87076411-G-T.
Other names: c.944C>A (NM_000443.3); c.944C>A, p.Ala315Asp (NM_018849.3, NM_018850.3); short protein forms A315D.
Identifiers: ClinVar variation 2687817 (VCV002687817.3), dbSNP rs1243446017, ClinGen allele CA368048578.